The following is an entry in ClinVar:

NM_000548.5(TSC2):c.1337A>G (p.Gln446Arg)

Gene: TSC2 (TSC complex subunit 2; plus strand). Cytogenetic location: 16p13.3.
Variant type: single nucleotide variant.
Coding change: c.1337A>G on transcript NM_000548.5 (MANE Select); coding-DNA position 1337, A replaced by G.
Protein change: p.Gln446Arg; replaces glutamine 446 with arginine.
Molecular consequence: missense variant. On other transcripts: 5 prime UTR variant (10), non-coding transcript variant (5).
Genome position (GRCh38, 1-based): chr16:2,062,576, A>G. VCF-style: chr16-2062576-A-G. GRCh37 (hg19) VCF-style: chr16-2112577-A-G.
Other names: c.-8A>G (NM_001406696.1, NM_001406697.1, NM_001406689.1 and 6 more transcripts); c.-184A>G (NM_001406698.1); c.1337A>G, p.Gln446Arg (NM_021055.3, NM_001077183.3, NM_001114382.3 and 6 more transcripts); c.737A>G, p.Gln246Arg (NM_001406684.1, NM_001406685.1, NM_001406686.1 and 6 more transcripts); c.1226A>G, p.Gln409Arg (NM_001318827.2, NM_001406670.1, NM_001406678.1); c.1190A>G, p.Gln397Arg (NM_001318829.2, NM_001406675.1, NM_001406676.1 and 1 more transcripts); c.1370A>G, p.Gln457Arg (NM_001318832.2); c.1427A>G, p.Gln476Arg (NM_001406667.1, NM_001406668.1); and 3 more; short protein forms Q397R, Q409R, Q246R, Q292R, Q427R, Q457R, Q442R, Q446R.
Identifiers: ClinVar variation 2919220 (VCV002919220.3), dbSNP rs1259157214, ClinGen allele CA394322528.

ClinVar aggregate classification (germline): Uncertain significance (1 of 4 stars; one submission).

Conditions:
Tuberous sclerosis 2 (TSC2). Identifiers: Orphanet 805, MedGen C1860707, MONDO:0013199, OMIM 613254.

Allele frequency attached by ClinVar (database versions not stated): TOPMed below 0.00001.

Submission:

Labcorp Genetics (formerly Invitae), Labcorp
Classification: Uncertain significance for Tuberous sclerosis 2. Last evaluated: 2023-01-13. Review status: criteria provided, single submitter. Criteria: Invitae Variant Classification Sherloc (09022015). Collection method: clinical testing. Allele origin: germline.
Comment: Advanced modeling of protein sequence and biophysical properties (such as structural, functional, and spatial information, amino acid conservation, physicochemical variation, residue mobility, and thermodynamic stability) performed at Invitae indicates that this missense variant is not expected to disrupt TSC2 protein function. This sequence change replaces glutamine, which is neutral and polar, with arginine, which is basic and polar, at codon 446 of the TSC2 protein (p.Gln446Arg). This variant is not present in population databases (gnomAD no frequency). This variant has not been reported in the literature in individuals affected with TSC2-related conditions. In summary, the available evidence is currently insufficient to determine the role of this variant in disease. Therefore, it has been classified as a Variant of Uncertain Significance.